The following is an entry in ClinVar:

NM_000264.5(PTCH1):c.4277A>C (p.Lys1426Thr)

Gene: PTCH1 (patched 1; minus strand). Cytogenetic location: 9q22.32.
Variant type: single nucleotide variant.
Coding change: c.4277A>C on transcript NM_000264.5 (MANE Select); coding-DNA position 4277, A replaced by C.
Protein change: p.Lys1426Thr; replaces lysine 1426 with threonine.
Molecular consequence: missense variant. On other transcripts: non-coding transcript variant (1).
Genome position (GRCh38, 1-based): chr9:95,446,979, T>G on the plus strand (A>C on the coding strand, the complement: PTCH1 is on the minus strand). VCF-style: chr9-95446979-T-G. GRCh37 (hg19) VCF-style: chr9-98209261-T-G.
Other names: c.4079A>C, p.Lys1360Thr (NM_001083602.3); c.4274A>C, p.Lys1425Thr (NM_001083603.3); c.3824A>C, p.Lys1275Thr (NM_001083604.3, NM_001083605.3, NM_001083606.3 and 1 more transcripts); c.4121A>C, p.Lys1374Thr (NM_001354918.2); short protein forms K1426T, K1275T, K1374T, K1425T, K1360T.
Identifiers: ClinVar variation 2838580 (VCV002838580.4), dbSNP rs2136571517, ClinGen allele CA374109973.

ClinVar aggregate classification (germline): Uncertain significance. Review status: criteria provided, multiple submitters, no conflicts (2 of 4 stars). 2 submissions from 2 submitters: Uncertain significance (2). Last evaluated 2026-03-02.

Conditions:
Gorlin syndrome. Also called: Nevoid Basal Cell Carcinoma Syndrome; Basal cell nevus syndrome. Identifiers: Orphanet 377, MedGen C0004779, MONDO:0007187.
Hereditary cancer-predisposing syndrome. Also called: Tumor predisposition; Neoplastic Syndromes, Hereditary; Hereditary Cancer Syndrome; Hereditary neoplastic syndrome. Identifiers: Orphanet 140162, MedGen C0027672, MeSH D009386, MONDO:0015356.

Submissions (2):

Ambry Genetics
Classification: Uncertain significance for Hereditary cancer-predisposing syndrome. Last evaluated: 2026-03-02. Review status: criteria provided, single submitter. Criteria: Ambry Variant Classification Scheme 2023. Collection method: clinical testing. Allele origin: germline.
Comment: The p.K1426T variant (also known as c.4277A>C), located in coding exon 23 of the PTCH1 gene, results from an A to C substitution at nucleotide position 4277. The lysine at codon 1426 is replaced by threonine, an amino acid with similar properties. This amino acid position is conserved. In addition, the in silico prediction for this alteration is inconclusive. Based on the available evidence, the clinical significance of this variant remains unclear.

Labcorp Genetics (formerly Invitae), Labcorp
Classification: Uncertain significance for Gorlin syndrome. Last evaluated: 2023-02-18. Review status: criteria provided, single submitter. Criteria: Invitae Variant Classification Sherloc (09022015). Collection method: clinical testing. Allele origin: germline.
Comment: In summary, the available evidence is currently insufficient to determine the role of this variant in disease. Therefore, it has been classified as a Variant of Uncertain Significance. Advanced modeling of protein sequence and biophysical properties (such as structural, functional, and spatial information, amino acid conservation, physicochemical variation, residue mobility, and thermodynamic stability) performed at Invitae indicates that this missense variant is not expected to disrupt PTCH1 protein function. This variant has not been reported in the literature in individuals affected with PTCH1-related conditions. This variant is not present in population databases (gnomAD no frequency). This sequence change replaces lysine, which is basic and polar, with threonine, which is neutral and polar, at codon 1426 of the PTCH1 protein (p.Lys1426Thr).